The following is an entry in ClinVar:

ClinVar aggregate classification (germline): Pathogenic. Review status: criteria provided, multiple submitters, no conflicts (2 of 4 stars). 2 submissions from 2 submitters: Pathogenic (2). Last evaluated 2023-09-06.

Conditions:
CHM-related disorders.

Submissions (2):

Labcorp Genetics (formerly Invitae), Labcorp
Classification: Pathogenic. Last evaluated: 2023-09-06. Review status: criteria provided, single submitter. Criteria: Invitae Variant Classification Sherloc (09022015). Collection method: clinical testing. Allele origin: germline.
Comment: This sequence change creates a premature translational stop signal (p.Leu324*) in the CHM gene. It is expected to result in an absent or disrupted protein product. Loss-of-function variants in CHM are known to be pathogenic (PMID: 9067750, 23811034). This variant is not present in population databases (gnomAD no frequency). This variant has not been reported in the literature in individuals affected with CHM-related conditions. ClinVar contains an entry for this variant (Variation ID: 866369). For these reasons, this variant has been classified as Pathogenic.

Blueprint Genetics
Classification: Pathogenic for CHM-related disorders. Last evaluated: 2019-10-17. Review status: criteria provided, single submitter. Criteria: ACMG Guidelines, 2015. Collection method: clinical testing. Allele origin: germline. Affected: yes. Observed: 2 variant alleles.

Literature cited by the submitters: PubMed 9067750 (cited by Labcorp Genetics (formerly Invitae), Labcorp); PubMed 23811034 (cited by Labcorp Genetics (formerly Invitae), Labcorp).

NM_000390.4(CHM):c.971T>G (p.Leu324Ter)

Gene: CHM (CHM Rab escort protein; minus strand). Cytogenetic location: Xq21.2.
Variant type: single nucleotide variant.
Coding change: c.971T>G on transcript NM_000390.4 (MANE Select); coding-DNA position 971, T replaced by G.
Protein change: p.Leu324Ter; replaces leucine 324 with a stop codon.
Molecular consequence: nonsense.
Genome position (GRCh38, 1-based): chrX:85,956,348, A>C on the plus strand (T>G on the coding strand, the complement: CHM is on the minus strand). VCF-style: chrX-85956348-A-C. GRCh37 (hg19) VCF-style: chrX-85211353-A-C.
Other names: c.527T>G, p.Leu176Ter (NM_001320959.1, NM_001362517.1, NM_001362518.2 and 1 more transcripts); short protein forms L324*, L176*.
Identifiers: ClinVar variation 866369 (VCV000866369.5), dbSNP rs1930006988, ClinGen allele CA413785472.